The following is an entry in ClinVar:

NM_024665.7(TBL1XR1):c.527C>G (p.Ala176Gly)

Gene: TBL1XR1 (TBL1X/Y related 1; minus strand). Cytogenetic location: 3q26.32.
Variant type: single nucleotide variant.
Coding change: c.527C>G on transcript NM_024665.7 (MANE Select); coding-DNA position 527, C replaced by G.
Protein change: p.Ala176Gly; replaces alanine 176 with glycine.
Molecular consequence: missense variant.
Genome position (GRCh38, 1-based): chr3:177,050,511, G>C on the plus strand (C>G on the coding strand, the complement: TBL1XR1 is on the minus strand). VCF-style: chr3-177050511-G-C. GRCh37 (hg19) VCF-style: chr3-176768299-G-C.
Other names: c.527C>G, p.Ala176Gly (NM_001321193.3, NM_001321194.3, NM_001374327.1 and 2 more transcripts); c.266C>G, p.Ala89Gly (NM_001321195.3, NM_001374330.1); short protein forms A176G, A89G.
Identifiers: ClinVar variation 1703320 (VCV001703320.2), dbSNP rs1167650169, ClinGen allele CA355552786.

ClinVar aggregate classification (germline): Uncertain significance (1 of 4 stars; one submission).

Submission:

GeneDx
Classification: Uncertain significance. Last evaluated: 2022-02-23. Review status: criteria provided, single submitter. Criteria: GeneDx Variant Classification Process June 2021. Collection method: clinical testing. Allele origin: germline. Affected: yes.
Comment: Not observed at significant frequency in large population cohorts (gnomAD); In silico analysis supports that this missense variant has a deleterious effect on protein structure/function; Has not been previously published as pathogenic or benign to our knowledge